The following is an entry in ClinVar:

NM_199420.4(POLQ):c.3210G>C (p.Gln1070His)

Gene: POLQ (DNA polymerase theta; minus strand). Cytogenetic location: 3q13.33.
Variant type: single nucleotide variant.
Coding change: c.3210G>C on transcript NM_199420.4 (MANE Select); coding-DNA position 3210, G replaced by C.
Protein change: p.Gln1070His; replaces glutamine 1070 with histidine.
Molecular consequence: missense variant.
Genome position (GRCh38, 1-based): chr3:121,489,721, C>G on the plus strand (G>C on the coding strand, the complement: POLQ is on the minus strand). VCF-style: chr3-121489721-C-G. GRCh37 (hg19) VCF-style: chr3-121208568-C-G.
Other names: short protein forms Q1070H.
Identifiers: ClinVar variation 1728934 (VCV001728934.2), dbSNP rs141721468, ClinGen allele CA354101232.

ClinVar aggregate classification (germline): Uncertain significance (1 of 4 stars; one submission).

Submission:

Ambry Genetics
Classification: Uncertain significance. Last evaluated: 2021-12-14. Review status: criteria provided, single submitter. Criteria: Ambry Variant Classification Scheme 2023. Collection method: clinical testing. Allele origin: germline.
Comment: The p.Q1070H variant (also known as c.3210G>C), located in coding exon 16 of the POLQ gene, results from a G to C substitution at nucleotide position 3210. The glutamine at codon 1070 is replaced by histidine, an amino acid with highly similar properties. This amino acid position is conserved. In addition, this alteration is predicted to be tolerated by in silico analysis. Since supporting evidence is limited at this time, the clinical significance of this alteration remains unclear.